The following is an entry in ClinVar:

ClinVar aggregate classification (germline): Uncertain significance. Review status: criteria provided, multiple submitters, no conflicts (2 of 4 stars). 3 submissions from 3 submitters: Uncertain significance (2). 1 of the submissions does not count toward it. Last evaluated 2026-02-26.

Conditions:
WFS1-related disorder. Identifiers: MedGen CN379391, MONDO:0700293.
Optic atrophy. Identifiers: MedGen C0029124, MONDO:0003608, HP:0000648.

Submissions (3):

PreventionGenetics, part of Exact Sciences
Classification: Uncertain significance for WFS1-related condition. Last evaluated: 2026-02-26. Review status: criteria provided, single submitter. Criteria: ACMG Guidelines, 2015. Collection method: clinical testing. Allele origin: germline.
Comment: The WFS1 c.949A>C variant is predicted to result in the amino acid substitution p.Thr317Pro. To our knowledge, this variant has not been reported in the literature or in a large population database (gnomAD), indicating this variant is rare. At this time, the clinical significance of this variant is uncertain due to the absence of conclusive functional and genetic evidence.

Labcorp Genetics (formerly Invitae), Labcorp
Classification: Uncertain significance. Last evaluated: 2025-12-31. Review status: criteria provided, single submitter. Criteria: Invitae Variant Classification Sherloc (09022015). Collection method: clinical testing. Allele origin: germline.
Comment: This sequence change replaces threonine, which is neutral and polar, with proline, which is neutral and non-polar, at codon 317 of the WFS1 protein (p.Thr317Pro). This variant is not present in population databases (gnomAD no frequency). This variant has not been reported in the literature in individuals affected with WFS1-related conditions. ClinVar contains an entry for this variant (Variation ID: 3250076). Invitae Evidence Modeling of protein sequence and biophysical properties (such as structural, functional, and spatial information, amino acid conservation, physicochemical variation, residue mobility, and thermodynamic stability) indicates that this missense variant is not expected to disrupt WFS1 protein function with a negative predictive value of 95%. In summary, the available evidence is currently insufficient to determine the role of this variant in disease. Therefore, it has been classified as a Variant of Uncertain Significance.

Institute of Human Genetics, Univ. Regensburg, Univ. Regensburg
Classification: Uncertain significance for Optic atrophy. Last evaluated: 2020-01-01. Review status: no assertion criteria provided. Criteria: ACMG Guidelines, 2015. Collection method: clinical testing. Allele origin: germline. Affected: yes. Not counted in ClinVar's aggregate classification.

NM_006005.3(WFS1):c.949A>C (p.Thr317Pro)

Gene: WFS1 (wolframin ER transmembrane glycoprotein; plus strand). Cytogenetic location: 4p16.1.
Variant type: single nucleotide variant.
Coding change: c.949A>C on transcript NM_006005.3 (MANE Select); coding-DNA position 949, A replaced by C.
Protein change: p.Thr317Pro; replaces threonine 317 with proline.
Molecular consequence: missense variant.
Genome position (GRCh38, 1-based): chr4:6,300,744, A>C. VCF-style: chr4-6300744-A-C. GRCh37 (hg19) VCF-style: chr4-6302471-A-C.
Other names: c.949A>C, p.Thr317Pro (NM_001145853.1); short protein forms T317P.
Identifiers: ClinVar variation 3250076 (VCV003250076.3).